The following is an entry in ClinVar:

ClinVar aggregate classification (germline): Pathogenic (1 of 4 stars; one submission).

Submission:

Labcorp Genetics (formerly Invitae), Labcorp
Classification: Pathogenic. Last evaluated: 2025-04-10. Review status: criteria provided, single submitter. Criteria: Invitae Variant Classification Sherloc (09022015). Collection method: clinical testing. Allele origin: germline.
Comment: This sequence change creates a premature translational stop signal (p.Arg282*) in the ADAMTSL4 gene. It is expected to result in an absent or disrupted protein product. Loss-of-function variants in ADAMTSL4 are known to be pathogenic (PMID: 20564469, 28642162). This variant is present in population databases (no rsID available, gnomAD 0.01%). This variant has not been reported in the literature in individuals affected with ADAMTSL4-related conditions. For these reasons, this variant has been classified as Pathogenic.

Literature cited by the submitters: PubMed 20564469; PubMed 28642162.

NM_019032.6(ADAMTSL4):c.844C>T (p.Arg282Ter)

Genes: ADAMTSL4 (ADAMTS like 4; plus strand), ADAMTSL4-AS2 (ADAMTSL4 antisense RNA 2; minus strand). Cytogenetic location: 1q21.2.
Variant type: single nucleotide variant.
Coding change: c.844C>T on transcript NM_019032.6 (MANE Select); coding-DNA position 844, C replaced by T.
Protein change: p.Arg282Ter; replaces arginine 282 with a stop codon.
Molecular consequence: nonsense.
Genome position (GRCh38, 1-based): chr1:150,553,835, C>T. VCF-style: chr1-150553835-C-T. GRCh37 (hg19) VCF-style: chr1-150526311-C-T.
Other names: c.844C>T, p.Arg282Ter (NM_001288607.2, NM_001288608.2, NM_001378596.1 and 1 more transcripts); short protein forms R282*.
Identifiers: ClinVar variation 4746880 (VCV004746880.1).
Genomic context (GRCh38, chr1:150,553,835, plus strand): 5'-CCCCCCTCACCCACGCACTCCTTAGGAGAAGGTGGCTTCTTCCGTGCATCCCCTCAGCCA[C>T]GAAGGCCAAGTTCCCAGGGTTGGGCCAGTCCCCAGGTAGCAGGGAGACGCCCTGATCCTT-3'